The following is an entry in ClinVar:

ClinVar aggregate classification (germline): Likely benign (1 of 4 stars; one submission).

Allele frequency attached by ClinVar (database versions not stated): gnomAD exomes below 0.00001; ExAC 0.00002; gnomAD 0.00002; ESP Exome Variant Server 0.00015.
gnomAD v4.1: 10 of 1,613,854 alleles (0.00062%); highest among the groups gnomAD compares: African/African-American, 0.012%; no homozygotes.

Submission:

CeGaT Center for Human Genetics Tuebingen
Classification: Likely benign. Last evaluated: 2023-09-01. Review status: criteria provided, single submitter. Criteria: CeGaT Center For Human Genetics Tuebingen Variant Classification Criteria Version 2. Collection method: clinical testing. Allele origin: germline. Affected: yes. Observed: 1 variant allele.
Comment: FLG: BP4, BP7

NM_002016.2(FLG):c.11439A>C (p.Thr3813=)

Genes: CCDST (cervical cancer associated DHX9 suppressive transcript; plus strand), FLG (filaggrin; minus strand). Cytogenetic location: 1q21.3.
Variant type: single nucleotide variant.
Coding change: c.11439A>C on transcript NM_002016.2 (MANE Select); coding-DNA position 11439, A replaced by C.
Protein change: p.Thr3813=; no amino-acid change (threonine 3813 retained).
Molecular consequence: synonymous variant.
Genome position (GRCh38, 1-based): chr1:152,303,447, T>G on the plus strand (A>C on the coding strand, the complement: FLG is on the minus strand). VCF-style: chr1-152303447-T-G. GRCh37 (hg19) VCF-style: chr1-152275923-T-G.
Identifiers: ClinVar variation 2639223 (VCV002639223.24), dbSNP rs371059512, ClinGen allele CA1102911.
Genomic context (GRCh38, chr1:152,303,447, plus strand): 5'-AGCTTCATGGTGACGCGACCCTGAGTGCCTGGAGCCGTCTCCTGACTGTTCCTCATTACG[T>G]GTTTCTCTGCTTGCACTTCTGGATCCTGACTGCCCATGGGAGGCATCAGACCTTCCCTGG-3'
Protein context (NP_002007.1, residues 3803-3823): QSGSRSASRE[Thr3813=]RNEEQSGDGS